The following is an entry in ClinVar:

ClinVar aggregate classification (germline): Uncertain significance (1 of 4 stars; one submission).

Conditions:
LAMA2-related muscular dystrophy (LAMA2-RD). Also called: Laminin alpha 2-related dystrophy. Identifiers: MedGen C5679788, MONDO:0100228.

Submission:

Labcorp Genetics (formerly Invitae), Labcorp
Classification: Uncertain significance for LAMA2-related muscular dystrophy. Last evaluated: 2022-09-07. Review status: criteria provided, single submitter. Criteria: Invitae Variant Classification Sherloc (09022015). Collection method: clinical testing. Allele origin: germline.
Comment: In summary, the available evidence is currently insufficient to determine the role of this variant in disease. Therefore, it has been classified as a Variant of Uncertain Significance. Variants that disrupt the consensus splice site are a relatively common cause of aberrant splicing (PMID: 17576681, 9536098). Algorithms developed to predict the effect of sequence changes on RNA splicing suggest that this variant may disrupt the consensus splice site. ClinVar contains an entry for this variant (Variation ID: 1484845). This variant has been observed in individual(s) with LAMA2-related conditions (Invitae). Information on the frequency of this variant in the gnomAD database is not available, as this variant may be reported differently in the database. This sequence change falls in intron 12 of the LAMA2 gene. It does not directly change the encoded amino acid sequence of the LAMA2 protein. It affects a nucleotide within the consensus splice site.

Literature cited by the submitters: PubMed 17576681; PubMed 9536098.

NM_000426.4(LAMA2):c.1782+5_1782+6delinsCC

Gene: LAMA2 (laminin subunit alpha 2; plus strand). Cytogenetic location: 6q22.33.
Variant type: Indel.
Coding change: c.1782+5_1782+6delinsCC on transcript NM_000426.4 (MANE Select); bases 5 to 6 of the intron after coding-DNA position 1782, GT replaced by CC.
Molecular consequence: intron variant.
Genome position (GRCh38, 1-based): chr6:129,192,858-129,192,859, GT replaced by CC. VCF-style: chr6-129192858-GT-CC. GRCh37 (hg19) VCF-style: chr6-129514003-GT-CC.
Other names: c.1782+5_1782+6delinsCC (NM_001079823.2).
Identifiers: ClinVar variation 1484845 (VCV001484845.6), dbSNP rs2115037277, ClinGen allele CA2573140442.